The following is an entry in ClinVar:

NM_001613.4(ACTA2):c.773G>A (p.Arg258His)

Genes: ACTA2 (actin alpha 2, smooth muscle; minus strand), ACTA2-AS1 (ACTA2 antisense RNA 1; plus strand). Cytogenetic location: 10q23.31.
Variant type: single nucleotide variant.
Coding change: c.773G>A on transcript NM_001613.4 (MANE Select); coding-DNA position 773, G replaced by A.
Protein change: p.Arg258His; replaces arginine 258 with histidine.
Molecular consequence: missense variant. On other transcripts: non-coding transcript variant (1).
Genome position (GRCh38, 1-based): chr10:88,939,542, C>T on the plus strand (G>A on the coding strand, the complement: ACTA2 is on the minus strand). VCF-style: chr10-88939542-C-T. GRCh37 (hg19) VCF-style: chr10-90699299-C-T.
Other names: p.R258H:CGC>CAC; c.773G>A, p.Arg258His (NM_001141945.3, NM_001320855.2, NM_001406462.1 and 2 more transcripts); c.662G>A, p.Arg221His (NM_001406466.1); c.644G>A, p.Arg215His (NM_001406467.1, NM_001406468.1, NM_001406469.1); short protein forms R258H, R221H, R215H.
Identifiers: ClinVar variation 18277 (VCV000018277.23), dbSNP rs121434527, ClinGen allele CA007026.
Genomic context (GRCh38, chr10:88,939,542, plus strand): 5'-CAGGAAAAGGGCGTTTGTTGCCTACCGATGAAGGATGGCTGGAACAGGGTCTCTGGGCAG[C>T]GGAAACGTTCATTTCCGATGGTGATCACTTGCCCATCAGGCAACTCGTAACTCTTCTCAA-3'
Protein context (NP_001604.1, residues 248-268): QVITIGNERF[Arg258His]CPETLFQPSF

ClinVar aggregate classification (germline): Pathogenic/Likely pathogenic. Review status: criteria provided, multiple submitters, no conflicts (2 of 4 stars). 7 submissions from 6 submitters: Pathogenic (3); Likely pathogenic (2). 2 of the submissions do not count toward it. Last evaluated 2026-08-05.

Conditions:
Cardiovascular phenotype. Identifiers: MedGen CN230736.
Moyamoya disease 5 (MYMY5). Identifiers: Orphanet 2573, MedGen C3279690, MONDO:0013542, OMIM 614042.
Aortic aneurysm, familial thoracic 6 (AAT6). Also called: FAMILIAL THORACIC AORTIC ANEURYSM WITH LIVEDO RETICULARIS AND IRIS FLOCCULI. Identifiers: MedGen C2673186, MONDO:0012730, OMIM 611788.
Familial thoracic aortic aneurysm and aortic dissection (TAAD). Also called: Thoracic aortic aneurysms and dissections. Identifiers: Orphanet 91387, MedGen C4707243, MONDO:0019625.

Submissions (7):

GeneDx
Classification: Pathogenic. Last evaluated: 2026-08-05. Review status: criteria provided, single submitter. Criteria: GeneDx Variant Classification Process June 2021. Collection method: clinical testing. Allele origin: germline.
Comment: Reported previously in five individuals from one family with a history of TAAD, Moyamoya disease (a distinctive pattern of occlusive stroke), and early onset stroke (<20 years); however, one of the five variant carriers was a clinically unaffected young adult at the time of publication (PMID: 17994018, 19409525); Published in vitro functional studies showed that p.(R258H) alters actin filament conformation and stability (PMID: 17994018, 22753406); Not observed at significant frequency in large population cohorts (gnomAD); Variants disrupting amino acid residue R258 (p.(R258C) and p.(R258H)) were associated with a significantly increased risk for aortic events at younger ages compared to all other variants studied (PMID: 25759435); In silico analysis supports that this missense variant has a deleterious effect on protein structure/function; This variant is associated with the following publications: (PMID: 28848449, 36440024, 22831780, 26637293, 25998219, 23142374, 19409525, 27611364, 25759435, 30300893, 32464348, 37840311, 22753406, 17994018, 41582817, 36517271)

Labcorp Genetics (formerly Invitae), Labcorp
Classification: Pathogenic for Aortic aneurysm, familial thoracic 6. Last evaluated: 2025-12-16. Review status: criteria provided, single submitter. Criteria: Invitae Variant Classification Sherloc (09022015). Collection method: clinical testing. Allele origin: germline.
Comment: This sequence change replaces arginine, which is basic and polar, with histidine, which is basic and polar, at codon 258 of the ACTA2 protein (p.Arg258His). This variant is not present in population databases (gnomAD no frequency). This missense change has been observed in individuals with thoracic aortic disease (PMID: 19409525, 25759435). It has also been observed to segregate with disease in related individuals. ClinVar contains an entry for this variant (Variation ID: 18277). Invitae Evidence Modeling of protein sequence and biophysical properties (such as structural, functional, and spatial information, amino acid conservation, physicochemical variation, residue mobility, and thermodynamic stability) indicates that this missense variant is not expected to disrupt ACTA2 protein function with a negative predictive value of 80%. Experimental studies have shown that this missense change affects ACTA2 function (PMID: 22753406). This variant disrupts the p.Arg258 amino acid residue in ACTA2. Other variant(s) that disrupt this residue have been determined to be pathogenic (PMID: 17994018, 19409525, 26153420). This suggests that this residue is clinically significant, and that variants that disrupt this residue are likely to be disease-causing. For these reasons, this variant has been classified as Pathogenic.

Molecular Diagnostic Laboratory for Inherited Cardiovascular Disease, Montreal Heart Institute
Classification: Pathogenic for Cardiovascular phenotype. Last evaluated: 2025-07-02. Review status: criteria provided, single submitter. Criteria: ACMG Guidelines, 2015. Collection method: clinical testing. Allele origin: germline. Affected: yes.
Comment: PP1_strong, PS4_mod, PM2, PM5, PM6, PS3_supp, PP2, PP3

Ambry Genetics
Classification: Likely pathogenic for Familial thoracic aortic aneurysm and aortic dissection. Last evaluated: 2023-08-18. Review status: criteria provided, single submitter. Criteria: Ambry Variant Classification Scheme 2023. Collection method: clinical testing. Allele origin: germline.
Comment: The p.R258H variant (also known as c.773G>A), located in coding exon 6 of the ACTA2 gene, results from a G to A substitution at nucleotide position 773. The arginine at codon 258 is replaced by histidine, an amino acid with highly similar properties. This alteration has been reported in individuals with thoracic aortic aneurysm and dissection (TAAD), including segregating with disease in two families and a de novo occurrence in one individual (Guo DC et al. Nat Genet, 2007 Dec;39:1488-93; Kathiravel U et al. Mol Cell Probes, 2013 Apr;27:103-8; Yang H et al. Sci Rep, 2016 Sep;6:33002; Diness BR et al. J Neurol Sci, 2020 Aug;415:116897; Zeng Y et al. Front Cardiovasc Med, 2022 Nov;9:1030160). This variant is considered to be rare based on population cohorts in the Genome Aggregation Database (gnomAD). This missense alteration is located in a region that has a low rate of benign missense variation (Lek M et al. Nature. 2016 Aug 18;536(7616):285-91; DECIPHER: Database of Chromosomal Imbalance and Phenotype in Humans using Ensembl Resources. Firth H.V. et al. 2009. Am.J.Hum.Genet. 84, 524-533 (DOI)). This amino acid position is highly conserved in available vertebrate species. In addition, this alteration is predicted to be deleterious by in silico analysis. Based on the majority of available evidence to date, this variant is likely to be pathogenic.

Stanford Center for Inherited Cardiovascular Disease, Stanford University
Classification: Likely pathogenic. Last evaluated: 2016-11-09. Review status: criteria provided, single submitter. Criteria: ACMG Guidelines, 2015. Collection method: provider interpretation. Allele origin: germline.

OMIM
Classification: Pathogenic for AORTIC ANEURYSM, FAMILIAL THORACIC 6. Last evaluated: 2009-05-01. Review status: no assertion criteria provided. Collection method: literature only. Allele origin: germline. Not counted in ClinVar's aggregate classification.

OMIM
Classification: Pathogenic for MOYAMOYA DISEASE 5. Last evaluated: 2009-05-01. Review status: no assertion criteria provided. Collection method: literature only. Allele origin: germline. Not counted in ClinVar's aggregate classification.

Literature cited by the submitters: PubMed 19409525 (cited by Labcorp Genetics (formerly Invitae), Labcorp and OMIM); PubMed 25759435 (cited by Labcorp Genetics (formerly Invitae), Labcorp); PubMed 22753406 (cited by Labcorp Genetics (formerly Invitae), Labcorp); PubMed 17994018 (cited by 3 submitters); PubMed 26153420 (cited by Labcorp Genetics (formerly Invitae), Labcorp); PubMed 23142374 (cited by Ambry Genetics); PubMed 27611364 (cited by Ambry Genetics); PubMed 32464348 (cited by Ambry Genetics); PubMed 36440024 (cited by Ambry Genetics).